The following is an entry in ClinVar:

ClinVar aggregate classification (germline): Pathogenic/Likely pathogenic. Review status: criteria provided, multiple submitters, no conflicts (2 of 4 stars). 6 submissions from 6 submitters: Pathogenic (5); Likely pathogenic (1). Last evaluated 2025-03-14.

Conditions:
Hereditary nonpolyposis colorectal neoplasms. Identifiers: MedGen C0009405, MeSH D003123.
Lynch syndrome 5 (LYNCH5). Also called: Colorectal cancer, hereditary nonpolyposis, type 5; Hereditary non-polyposis colorectal cancer, type 5. Identifiers: Orphanet 144, MedGen C1833477, MONDO:0013710, OMIM 614350. Disease mechanism: loss of function.
Hereditary cancer-predisposing syndrome. Also called: Neoplastic Syndromes, Hereditary; Tumor predisposition; Hereditary Cancer Syndrome; Hereditary neoplastic syndrome. Identifiers: Orphanet 140162, MedGen C0027672, MeSH D009386, MONDO:0015356.
Lynch syndrome. Identifiers: Orphanet 144, MedGen C4552100, MONDO:0005835. Disease mechanism: loss of function.

Submissions (6):

Quest Diagnostics Nichols Institute San Juan Capistrano
Classification: Likely pathogenic. Last evaluated: 2025-03-14. Review status: criteria provided, single submitter. Criteria: Quest Diagnostics criteria. Collection method: clinical testing. Allele origin: unknown.
Comment: The MSH6 c.1039_1040insC (p.Glu347Alafs*7) variant alters the translational reading frame of the MSH6 mRNA and is predicted to cause the premature termination of MSH6 protein synthesis. To the best of our knowledge, this variant has not been reported in individuals with MSH6-related disorders in the published literature. It also has not been reported in large, multi-ethnic general populations (Genome Aggregation Database). Based on the available information, this variant is classified as likely pathogenic.

Labcorp Genetics (formerly Invitae), Labcorp
Classification: Pathogenic for Hereditary nonpolyposis colorectal neoplasms. Last evaluated: 2025-03-09. Review status: criteria provided, single submitter. Criteria: Invitae Variant Classification Sherloc (09022015). Collection method: clinical testing. Allele origin: germline.
Comment: This sequence change creates a premature translational stop signal (p.Glu347Alafs*7) in the MSH6 gene. It is expected to result in an absent or disrupted protein product. Loss-of-function variants in MSH6 are known to be pathogenic (PMID: 18269114, 24362816). This variant is not present in population databases (gnomAD no frequency). This variant has not been reported in the literature in individuals affected with MSH6-related conditions. ClinVar contains an entry for this variant (Variation ID: 525645). For these reasons, this variant has been classified as Pathogenic.

GeneDx
Classification: Pathogenic. Last evaluated: 2024-07-07. Review status: criteria provided, single submitter. Criteria: GeneDx Variant Classification Process June 2021. Collection method: clinical testing. Allele origin: germline. Affected: yes.
Comment: Frameshift variant predicted to result in protein truncation or nonsense mediated decay in a gene for which loss-of-function is a known mechanism of disease; Not observed at significant frequency in large population cohorts (gnomAD); Truncating variants in this gene are considered pathogenic by a well-established clinical consortium and/or database; Observed as a secondary finding in an individual undergoing multigene panel testing (PMID: 31447099); This variant is associated with the following publications: (PMID: 31447099)

Myriad Genetics, Inc.
Classification: Pathogenic for Lynch syndrome 5. Last evaluated: 2023-08-11. Review status: criteria provided, single submitter. Criteria: Myriad Autosomal Dominant, Autosomal Recessive and X-Linked Classification Criteria (2023). Collection method: clinical testing. Allele origin: unknown.
Comment: This variant is considered pathogenic. This variant creates a frameshift predicted to result in premature protein truncation.

Ambry Genetics
Classification: Pathogenic for Hereditary cancer-predisposing syndrome. Last evaluated: 2023-01-17. Review status: criteria provided, single submitter. Criteria: Ambry Variant Classification Scheme 2023. Collection method: clinical testing. Allele origin: germline.
Comment: The c.1039_1040insC pathogenic mutation, located in coding exon 4 of the MSH6 gene, results from an insertion of one nucleotide at position 1039, causing a translational frameshift with a predicted alternate stop codon (p.E347Afs*7). This alteration is expected to result in loss of function by premature protein truncation or nonsense-mediated mRNA decay. As such, this alteration is interpreted as a disease-causing mutation.

Laboratory for Molecular Medicine, Mass General Brigham Personalized Medicine
Classification: Pathogenic for Lynch syndrome. Last evaluated: 2017-10-09. Review status: criteria provided, single submitter. Criteria: LMM Criteria. Collection method: clinical testing. Allele origin: germline. Inheritance: Autosomal dominant inheritance. Observed: 1 variant allele.
Comment: The p.Glu347AlafsX7 variant in MSH6 has not been previously reported in individu als with Lynch syndrome or in large population studies but was reported by anoth er clinical laboratory in ClinVar (Variation ID: 525645). This variant is predic ted to cause a frameshift, which alters the protein?s amino acid sequence beginn ing at position 347 and leads to a premature termination codon 7 amino acids dow nstream. This alteration is then predicted to lead to a truncated or absent prot ein. Heterozygous loss of function of the MSH6 gene is an established disease me chanism in individuals with Lynch syndrome. In summary, this variant meets crite ria to be classified as pathogenic for Lynch syndrome in an autosomal dominant m anner based upon the predicted impact to the protein and absence from the genera l population. ACMG/AMP criteria applied: PVS1, PM2.

Literature cited by the submitters: PubMed 31447099 (cited by Quest Diagnostics Nichols Institute San Juan Capistrano); PubMed 18269114 (cited by Labcorp Genetics (formerly Invitae), Labcorp); PubMed 24362816 (cited by Labcorp Genetics (formerly Invitae), Labcorp).

NM_000179.3(MSH6):c.1039_1040insC (p.Glu347fs)

Gene: MSH6 (mutS homolog 6; plus strand). Cytogenetic location: 2p16.3.
Variant type: Insertion.
Coding change: c.1039_1040insC on transcript NM_000179.3 (MANE Select); coding-DNA positions 1039 to 1040, C inserted.
Protein change: p.Glu347fs; shifts the reading frame from glutamic acid 347.
Molecular consequence: frameshift variant.
Genome position: GRCh38 VCF-style: chr2-47799022-G-GC. GRCh37 (hg19) VCF-style: chr2-48026161-G-GC.
Other names: c.649_650insC, p.Glu217fs (NM_001281492.2); c.133_134insC, p.Glu45fs (NM_001281493.2, NM_001281494.2); short protein forms E217fs, E347fs, E45fs.
Identifiers: ClinVar variation 525645 (VCV000525645.19), dbSNP rs1553412441, ClinGen allele CA658795736.